The following is an entry in ClinVar:

ClinVar aggregate classification (germline): Likely benign (1 of 4 stars; one submission).

Allele frequency attached by ClinVar (database versions not stated): ExAC 0.00002; TOPMed 0.00004; gnomAD 0.00005; gnomAD exomes 0.00006.
gnomAD v4.1: 94 of 1,613,950 alleles (0.0058%); highest among the groups gnomAD compares: Middle Eastern, 0.049%; no homozygotes.

Submission:

CeGaT Center for Human Genetics Tuebingen
Classification: Likely benign. Last evaluated: 2022-09-01. Review status: criteria provided, single submitter. Criteria: CeGaT Center For Human Genetics Tuebingen Variant Classification Criteria Version 2. Collection method: clinical testing. Allele origin: germline. Affected: yes. Observed: 1 variant allele.
Comment: AHNAK2: BP4, BP7

NM_138420.4(AHNAK2):c.288G>C (p.Arg96=)

Gene: AHNAK2 (AHNAK nucleoprotein 2; minus strand). Cytogenetic location: 14q32.33.
Variant type: single nucleotide variant.
Coding change: c.288G>C on transcript NM_138420.4 (MANE Select); coding-DNA position 288, G replaced by C.
Protein change: p.Arg96=; no amino-acid change (arginine 96 retained).
Molecular consequence: synonymous variant. On other transcripts: 5 prime UTR variant (1).
Genome position (GRCh38, 1-based): chr14:104,956,615, C>G on the plus strand (G>C on the coding strand, the complement: AHNAK2 is on the minus strand). VCF-style: chr14-104956615-C-G. GRCh37 (hg19) VCF-style: chr14-105422952-C-G.
Other names: c.-13G>C (NM_001350929.2).
Identifiers: ClinVar variation 2644897 (VCV002644897.24), dbSNP rs774242491, ClinGen allele CA7384092.